The following is an entry in ClinVar:

NM_000059.4(BRCA2):c.3929C>T (p.Thr1310Ile)

Gene: BRCA2 (BRCA2 DNA repair associated; plus strand). Cytogenetic location: 13q13.1.
Variant type: single nucleotide variant.
Coding change: c.3929C>T on transcript NM_000059.4 (MANE Select); coding-DNA position 3929, C replaced by T.
Protein change: p.Thr1310Ile; replaces threonine 1310 with isoleucine.
Molecular consequence: missense variant.
Genome position (GRCh38, 1-based): chr13:32,338,284, C>T. VCF-style: chr13-32338284-C-T. GRCh37 (hg19) VCF-style: chr13-32912421-C-T.
Other names: p.T1310I:ACT>ATT; short protein forms T1310I.
Identifiers: ClinVar variation 182205 (VCV000182205.23), dbSNP rs730881528, ClinGen allele CA019205.

ClinVar aggregate classification (germline): Conflicting classifications of pathogenicity. Review status: criteria provided, conflicting classifications (1 of 4 stars). 6 submissions from 6 submitters: Uncertain significance (4); Likely benign (2). Last evaluated 2025-03-06.

Conditions:
Hereditary cancer-predisposing syndrome. Also called: Tumor predisposition; Hereditary Cancer Syndrome; Hereditary neoplastic syndrome; Neoplastic Syndromes, Hereditary. Identifiers: Orphanet 140162, MedGen C0027672, MeSH D009386, MONDO:0015356.
Hereditary breast ovarian cancer syndrome. Also called: Breast and ovarian cancer; Hereditary breast and ovarian cancer syndrome; Hereditary breast and ovarian cancer; BRCA1- and BRCA2-Associated Hereditary Breast and Ovarian Cancer; Hereditary breast and ovarian cancer syndrome (HBOC); Hereditary breast and/or ovarian cancer syndrome. Identifiers: Orphanet 145, MedGen C0677776, MeSH D061325, MONDO:0003582. Disease mechanism: loss of function.
Breast-ovarian cancer, familial, susceptibility to, 2 (BROVCA2). Also called: BRCA2 Hereditary Breast and Ovarian Cancer. Identifiers: Orphanet 145, MedGen C2675520, MONDO:0012933, OMIM 612555. Disease mechanism: loss of function.

Submissions (6):

Labcorp Genetics (formerly Invitae), Labcorp
Classification: Uncertain significance for Hereditary breast ovarian cancer syndrome. Last evaluated: 2025-03-06. Review status: criteria provided, single submitter. Criteria: Invitae Variant Classification Sherloc (09022015). Collection method: clinical testing. Allele origin: germline.
Comment: This sequence change replaces threonine, which is neutral and polar, with isoleucine, which is neutral and non-polar, at codon 1310 of the BRCA2 protein (p.Thr1310Ile). This variant is not present in population databases (gnomAD no frequency). This variant has not been reported in the literature in individuals affected with BRCA2-related conditions. ClinVar contains an entry for this variant (Variation ID: 182205). Invitae Evidence Modeling of protein sequence and biophysical properties (such as structural, functional, and spatial information, amino acid conservation, physicochemical variation, residue mobility, and thermodynamic stability) indicates that this missense variant is not expected to disrupt BRCA2 protein function with a negative predictive value of 95%. In summary, the available evidence is currently insufficient to determine the role of this variant in disease. Therefore, it has been classified as a Variant of Uncertain Significance.

Ambry Genetics
Classification: Likely benign for Hereditary cancer-predisposing syndrome. Last evaluated: 2024-11-25. Review status: criteria provided, single submitter. Criteria: Ambry Variant Classification Scheme 2023. Collection method: clinical testing. Allele origin: germline.

All of Us Research Program, National Institutes of Health
Classification: Uncertain significance for Breast-ovarian cancer, familial, susceptibility to, 2. Last evaluated: 2023-08-15. Review status: criteria provided, single submitter. Criteria: ACMG Guidelines, 2015. Collection method: clinical testing. Allele origin: germline. Inheritance: Autosomal dominant inheritance. Observed: 1 variant allele, 1 heterozygote.
Comment: This missense variant replaces threonine with isoleucine at codon 1310 of the BRCA2 protein. Computational prediction suggests that this variant may not impact protein structure and function (internally defined REVEL score threshold <= 0.5, PMID: 27666373). To our knowledge, functional studies have not been reported for this variant. This variant has not been reported in individuals affected with BRCA2-related disorders in the literature. This variant has not been identified in the general population by the Genome Aggregation Database (gnomAD). The available evidence is insufficient to determine the role of this variant in disease conclusively. Therefore, this variant is classified as a Variant of Uncertain Significance.

This study involves interpretation of variants in research participants for the purpose of population health screening. Participant phenotype was not available at the time of variant classification. Additional details can be found in publication PMID: 35346344, PMCID: PMC8962531

Color Diagnostics, LLC DBA Color Health
Classification: Uncertain significance for Hereditary cancer-predisposing syndrome. Last evaluated: 2023-07-20. Review status: criteria provided, single submitter. Criteria: ACMG Guidelines, 2015. Collection method: clinical testing. Allele origin: germline.
Comment: This missense variant replaces threonine with isoleucine at codon 1310 of the BRCA2 protein. Computational prediction suggests that this variant may not impact protein structure and function (internally defined REVEL score threshold <= 0.5, PMID: 27666373). To our knowledge, functional studies have not been reported for this variant. This variant has not been reported in individuals affected with BRCA2-related disorders in the literature. This variant has not been identified in the general population by the Genome Aggregation Database (gnomAD). The available evidence is insufficient to determine the role of this variant in disease conclusively. Therefore, this variant is classified as a Variant of Uncertain Significance.

University of Washington Department of Laboratory Medicine, University of Washington
Classification: Likely benign for Hereditary cancer-predisposing syndrome. Last evaluated: 2023-03-23. Review status: criteria provided, single submitter. Criteria: Dines et al. (Genet Med. 2020). Collection method: curation. Allele origin: germline.
Comment: Missense variant in a coldspot region where missense variants are very unlikely to be pathogenic (PMID:31911673).

BRCA2 exon 11 coldspot. Reclassification based on statistical prior probability.

GeneDx
Classification: Uncertain significance. Last evaluated: 2014-04-21. Review status: criteria provided, single submitter. Criteria: GeneDx Variant Classification (06012015). Collection method: clinical testing. Allele origin: germline. Affected: yes.
Comment: This variant is denoted BRCA2 c.3929C>T at the cDNA level, p.Thr1310Ile (T1310I) at the protein level, and results in the change of a Threonine to an Isoleucine (ACT>ATT). This variant has not, to our knowledge, been published in the literature as pathogenic or benign. BRCA2 Thr1310Ile was not observed in approximately 6,500 individuals of European and African American ancestry in the NHLBI Exome Sequencing Project, indicating it is not a common benign variant in these populations. Since Threonine and Isoleucine differ in polarity, charge, size or other properties, this is considered a non-conservative amino acid substitution. BRCA2 Thr1310Ile occurs at a position that is moderately conserved across species and is not located in a known functional domain. In silico analyses predict that this variant is unlikely to alter protein structure or function. Based on currently available information, it is unclear whether BRCA2 Thr1310Ile is pathogenic or benign. We consider it to be a variant of uncertain significance.